The following is an entry in ClinVar:

ClinVar aggregate classification (germline): Uncertain significance (1 of 4 stars; one submission).

Conditions:
Biotinidase deficiency. Also called: Biotin deficiency; BTD deficiency; Late-onset biotin-responsive multiple carboxylase deficiency. Identifiers: Orphanet 79241, MedGen C0220754, MONDO:0009665, OMIM 253260.

Allele frequency attached by ClinVar (database versions not stated): gnomAD exomes 0.00001; TOPMed 0.00001.
gnomAD v4.1: 12 of 1,614,138 alleles (0.00074%); highest among the groups gnomAD compares: Middle Eastern, 0.017%; no homozygotes.

Submission:

Labcorp Genetics (formerly Invitae), Labcorp
Classification: Uncertain significance for Biotinidase deficiency. Last evaluated: 2024-01-02. Review status: criteria provided, single submitter. Criteria: Invitae Variant Classification Sherloc (09022015). Collection method: clinical testing. Allele origin: germline.
Comment: This sequence change replaces histidine, which is basic and polar, with arginine, which is basic and polar, at codon 358 of the BTD protein (p.His358Arg). This variant is present in population databases (no rsID available, gnomAD 0.002%). This variant has not been reported in the literature in individuals affected with BTD-related conditions. ClinVar contains an entry for this variant (Variation ID: 1450085). Advanced modeling of protein sequence and biophysical properties (such as structural, functional, and spatial information, amino acid conservation, physicochemical variation, residue mobility, and thermodynamic stability) has been performed at Invitae for this missense variant, however the output from this modeling did not meet the statistical confidence thresholds required to predict the impact of this variant on BTD protein function. In summary, the available evidence is currently insufficient to determine the role of this variant in disease. Therefore, it has been classified as a Variant of Uncertain Significance.

NM_001370658.1(BTD):c.1013A>G (p.His338Arg)

Gene: BTD (biotinidase; plus strand). Cytogenetic location: 3p25.1.
Variant type: single nucleotide variant.
Coding change: c.1013A>G on transcript NM_001370658.1 (MANE Select); coding-DNA position 1013, A replaced by G.
Protein change: p.His338Arg; replaces histidine 338 with arginine.
Molecular consequence: missense variant. On other transcripts: intron variant (1).
Genome position (GRCh38, 1-based): chr3:15,644,929, A>G. VCF-style: chr3-15644929-A-G. GRCh37 (hg19) VCF-style: chr3-15686436-A-G.
Other names: c.1073A>G, p.His358Arg (NM_000060.4); c.1013A>G, p.His338Arg (NM_001281723.4, NM_001281724.3, NM_001281725.3 and 18 more transcripts); c.399+2872A>G (NM_001370753.1); short protein forms H338R, H358R.
Identifiers: ClinVar variation 1450085 (VCV001450085.5), dbSNP rs1379845261, ClinGen allele CA351608005.
Genomic context (GRCh38, chr3:15,644,929, plus strand): 5'-CCAAAAATCCAGTGGGTCTCATTGGTGCAGAGAATGCAACAGGTGAAACGGACCCATCCC[A>G]TAGTAAGTTTTTAAAAATTTTGTCAGGCGATCCGTACTGTGAGAAGGATGCTCAGGAAGT-3'
Protein context (NP_001357587.1, residues 328-348): ENATGETDPS[His338Arg]SKFLKILSGD